The following is an entry in ClinVar:

NM_000539.3(RHO):c.530+1G>C

Gene: RHO (rhodopsin; plus strand). Cytogenetic location: 3q22.1.
Variant type: single nucleotide variant.
Coding change: c.530+1G>C on transcript NM_000539.3 (MANE Select); the canonical splice donor site of the intron after coding-DNA position 530, G replaced by C.
Molecular consequence: splice donor variant.
Genome position (GRCh38, 1-based): chr3:129,531,045, G>C. VCF-style: chr3-129531045-G-C. GRCh37 (hg19) VCF-style: chr3-129249888-G-C.
Identifiers: ClinVar variation 1514040 (VCV001514040.6), dbSNP rs2108750013, ClinGen allele CA354498855.
Genomic context (GRCh38, chr3:129,531,045, plus strand): 5'-TGCCTTCACCTGGGTCATGGCGCTGGCCTGCGCCGCACCCCCACTCGCCGGCTGGTCCAG[G>C]TAATGGCACTGAGCAGAAGGGAAGAAGCTCCGGGGGCTCTTTGTAGGGTCCTCCAGTCAG-3'

ClinVar aggregate classification (germline): Likely pathogenic (1 of 4 stars; one submission).

Submission:

Labcorp Genetics (formerly Invitae), Labcorp
Classification: Likely pathogenic. Last evaluated: 2022-07-06. Review status: criteria provided, single submitter. Criteria: Invitae Variant Classification Sherloc (09022015). Collection method: clinical testing. Allele origin: germline.
Comment: This sequence change affects a donor splice site in intron 2 of the RHO gene. It is expected to disrupt RNA splicing. Variants that disrupt the donor or acceptor splice site typically lead to a loss of protein function (PMID: 16199547), and loss-of-function variants in RHO are known to be pathogenic (PMID: 1303237, 21174529). In summary, the currently available evidence indicates that the variant is pathogenic, but additional data are needed to prove that conclusively. Therefore, this variant has been classified as Likely Pathogenic. Algorithms developed to predict the effect of sequence changes on RNA splicing suggest that this variant may disrupt the consensus splice site. ClinVar contains an entry for this variant (Variation ID: 1514040). Disruption of this splice site has been observed in individual(s) with retinitis pigmentosa (Invitae). This variant is not present in population databases (gnomAD no frequency).

Literature cited by the submitters: PubMed 16199547; PubMed 1303237; PubMed 21174529.